The following is an entry in ClinVar:

NM_020442.6(VARS2):c.3045C>T (p.Ala1015=)

Gene: VARS2 (valyl-tRNA synthetase 2, mitochondrial; plus strand). Cytogenetic location: 6p21.33.
Variant type: single nucleotide variant.
Coding change: c.3045C>T on transcript NM_020442.6 (MANE Select); coding-DNA position 3045, C replaced by T.
Protein change: p.Ala1015=; no amino-acid change (alanine 1015 retained).
Molecular consequence: synonymous variant.
Genome position (GRCh38, 1-based): chr6:30,925,963, C>T. VCF-style: chr6-30925963-C-T. GRCh37 (hg19) VCF-style: chr6-30893740-C-T.
Other names: c.2625C>T, p.Ala875= (NM_001167733.3); c.3135C>T, p.Ala1045= (NM_001167734.2).
Identifiers: ClinVar variation 3047902 (VCV003047902.2), dbSNP rs756787425, ClinGen allele CA3706440.

ClinVar aggregate classification (germline): Likely benign (0 of 4 stars; one submission).

Conditions:
VARS2-related disorder. Also called: VARS2-related condition; VARS2-related disorders.

Allele frequency attached by ClinVar (database versions not stated): gnomAD exomes below 0.00001; ExAC 0.00001.

Submission:

PreventionGenetics, part of Exact Sciences
Classification: Likely benign for VARS2-related condition. Last evaluated: 2020-03-20. Review status: no assertion criteria provided. Collection method: clinical testing. Allele origin: germline.
Comment: This variant is classified as likely benign based on ACMG/AMP sequence variant interpretation guidelines (Richards et al. 2015 PMID: 25741868, with internal and published modifications).